The following is an entry in ClinVar:

ClinVar aggregate classification (germline): Likely pathogenic. Review status: reviewed by expert panel (3 of 4 stars). 6 submissions from 6 submitters: Likely pathogenic (1). 5 of the submissions do not count toward it. Last evaluated 2024-09-10.

Conditions:
Pulmonary hypertension, primary, 1 (PPH1). Also called: Pulmonary hypertension, familial primary, 1, with or without HHT. Identifiers: Orphanet 422, MedGen C4552070, MONDO:0024533, OMIM 178600.
Pulmonary venoocclusive disease 1 (PVOD1). Also called: Pulmonary venoocclusive disease 1, autosomal dominant. Identifiers: Orphanet 31837, MedGen C3887658, MONDO:0020713, OMIM 265450.
Pulmonary arterial hypertension. Identifiers: Orphanet 182090, MedGen C2973725, MeSH D000081029, MONDO:0015924, HP:0002092.

Allele frequency attached by ClinVar (database versions not stated): gnomAD exomes 0.00002 and 0.00004; ExAC 0.00003; TOPMed 0.00003; gnomAD 0.00004 and 0.00005; 1000 Genomes Project 30x 0.00016; 1000 Genomes Project 0.00020.
gnomAD v4.1: 66 of 1,612,518 alleles (0.0041%); highest among the groups gnomAD compares: Middle Eastern, 0.017%; no homozygotes.

Submissions (6):

Clingen Pulmonary Hypertension Variant Curation Expert Panel, ClinGen
Classification: Likely pathogenic for Pulmonary arterial hypertension. Last evaluated: 2024-09-10. Review status: reviewed by expert panel. Criteria: ClinGen PH ACMG Specifications BMPR2 V1.1.0. Collection method: curation. Allele origin: germline. Inheritance: Autosomal dominant inheritance.
Comment: The BMPR2 c.908G>A variant is a missense variant in exon 7 predicted to result in substitution of arginine to histidine at amino acid position 303 (p. Arg303His). The highest population minor allele frequency in gnomAD v2.1.1 (controls) is 0.00043 (1/2334 alleles) in subpopulation “remaining individuals” which exceeds the ClinGen PH VCEP threshold (<0.01%) for PM2 (PM2 not met). Neither BS1 (≥0.1%) nor BA1 (1%) met. The computational predictor REVEL gives a score of 0.497 indicating neither PP3 (≥0.75) nor BP4 (≤0.25) met. SpliceAI algorithm predicts no deleterious effect on acceptor or donor splice site. The variant is located in the kinase domain (PM1 met). Genetic evidence showed the presence of the variant in only one IPAH patient (PMID:16429395) (PS4 not met). Immunofluorescence staining of Hela cells transfected with an R303H mutant construct showed mislocalization of BMPR2 protein to the endoplasmic reticulum (PMID:25688877) and included positive and negative controls (PS3 met). In summary, the variant meets the criteria to be classified as likely pathogenic for pulmonary arterial hypertension based on the ACMG/AMP criteria applied, as specified by the ClinGen Pulmonary Hypertension VCEP: PS3, PM1 (VCEP specification version 1.1, 1/18/2024).

GeneDx
Classification: Uncertain significance. Last evaluated: 2024-11-11. Review status: criteria provided, single submitter. Criteria: GeneDx Variant Classification Process June 2021. Collection method: clinical testing. Allele origin: germline. Affected: yes. Not counted in ClinVar's aggregate classification.
Comment: Published functional studies demonstrate a damaging effect: R303H failed to locate on plasma membrane which is necessary for normal function (PMID: 25688877); In silico analysis indicates that this missense variant does not alter protein structure/function; This variant is associated with the following publications: (PMID: 34426522, 25688877, 16429395)

Fulgent Genetics
Classification: Uncertain significance for Pulmonary hypertension, primary, 1; Pulmonary venoocclusive disease 1. Last evaluated: 2024-05-17. Review status: criteria provided, single submitter. Criteria: ACMG Guidelines, 2015. Collection method: clinical testing. Allele origin: germline. Not counted in ClinVar's aggregate classification.

Victorian Clinical Genetics Services, Murdoch Childrens Research Institute
Classification: Uncertain significance for Pulmonary hypertension, primary, 1. Last evaluated: 2022-09-02. Review status: criteria provided, single submitter. Criteria: ACMG Guidelines, 2015. Collection method: clinical testing. Allele origin: germline. Inheritance: Autosomal dominant inheritance. Not counted in ClinVar's aggregate classification.
Comment: Based on the classification scheme VCGS_Germline_v1.3.4, this variant is classified as VUS-3A. Following criteria are met: 0102 - Loss of function is a known mechanism of disease in this gene and is associated with familial primary pulmonary hypertension 1, with or without HHT (MIM#178600), primary fenfluramine or dexfenfluramine-associated pulmonary hypertension (MIM#178600) and pulmonary venoocclusive disease 1 (MIM#265450). However, gain of function has been noted in relation to upregulation of p38 MAPK-dependent pro-proliferative pathways and dominant negative has also been suggested as a mechanism in relation to SMAD signalling (OMIM). (I) 0107 - This gene is associated with autosomal dominant disease. (I) 0112 - The condition associated with this gene has incomplete penetrance. Incomplete penetrance has been reported for pulmonary arterial hypertension (PMID: 33380512). (I) 0115 - Variants in this gene are known to have variable expressivity (OMIM). (I) 0200 - Variant is predicted to result in a missense amino acid change from arginine to histidine. (I) 0251 - This variant is heterozygous. (I) 0302 - Variant is present in gnomAD (v2 & v3) <0.001 for a dominant condition (13 heterozygotes, 0 homozygotes). (SP) 0309 - An alternative amino acid change at the same position has been observed in gnomAD (v2) (p.(Arg303Cys): 2 heterozygotes, 0 homozygotes). (I) 0503 - Missense variant consistently predicted to be tolerated by multiple in silico tools or not conserved in placental mammals with a minor amino acid change. (SB) 0600 - Variant is located in the annotated protein kinase domain (UniProt). (I) 0704 - Another missense variant comparable to the one identified in this case has limited previous evidence for pathogenicity. The p.(Arg303Cys) variant has been reported in one individual with congenital heart disease and pulmonary arterial hypertension (PMID: 27002414). (SP) 0803 - This variant has limited previous evidence of pathogenicity in an unrelated individual. This variant has been reported in one individual with pulmonary arterial hypertension (PMID: 16429395). (SP) 0905 - No published segregation evidence has been identified for this variant. (I) 1002 - This variant has moderate functional evidence supporting abnormal protein function. Mutant constructs carrying the p.(Arg303His) variant were retained in the endoplasmic reticulum compared to WT constructs that were localised to the plasma membrane. Additionally, mutant protein also demonstrated incomplete post-translational modification compared to WT protein (PMID: 25688877). (SP) 1208 - Inheritance information for this variant is not currently available in this individual. (I) Legend: (SP) - Supporting pathogenic, (I) - Information, (SB) - Supporting benign

AiLife Diagnostics
Classification: Uncertain significance. Last evaluated: 2022-01-21. Review status: criteria provided, single submitter. Criteria: ACMG Guidelines, 2015. Collection method: clinical testing. Allele origin: germline. Affected: yes. Observed: 1 variant allele. Not counted in ClinVar's aggregate classification.

Rare Disease Genomics Group, St George's University of London
Classification: Pathogenic for Primary pulmonary hypertension. Review status: no assertion criteria provided. Collection method: literature only. Allele origin: germline. Affected: yes. Not counted in ClinVar's aggregate classification.

Literature cited by the submitters: PubMed 25688877 (cited by 3 submitters); PubMed 16429395 (cited by 3 submitters); PubMed 27002414 (cited by Victorian Clinical Genetics Services, Murdoch Childrens Research Institute); PubMed 33380512 (cited by Victorian Clinical Genetics Services, Murdoch Childrens Research Institute).

NM_001204.7(BMPR2):c.908G>A (p.Arg303His)

Gene: BMPR2 (bone morphogenetic protein receptor type 2; plus strand). Cytogenetic location: 2q33.2.
Variant type: single nucleotide variant.
Coding change: c.908G>A on transcript NM_001204.7 (MANE Select); coding-DNA position 908, G replaced by A.
Protein change: p.Arg303His; replaces arginine 303 with histidine.
Molecular consequence: missense variant.
Genome position (GRCh38, 1-based): chr2:202,520,142, G>A. VCF-style: chr2-202520142-G-A. GRCh37 (hg19) VCF-style: chr2-203384865-G-A.
Other names: NM_001204.7(BMPR2):c.908G>A; p.Arg303His; c.908G>A (LRG_712t1); short protein forms R303H.
Identifiers: ClinVar variation 425842 (VCV000425842.7), dbSNP rs200948870, ClinGen allele CA2061247.